The following is an entry in ClinVar:

NM_005045.4(RELN):c.9887G>A (p.Gly3296Glu)

Genes: SLC26A5-AS1 (SLC26A5 antisense RNA 1; plus strand), RELN (reelin; minus strand). Cytogenetic location: 7q22.1.
Variant type: single nucleotide variant.
Coding change: c.9887G>A on transcript NM_005045.4 (MANE Select); coding-DNA position 9887, G replaced by A.
Protein change: p.Gly3296Glu; replaces glycine 3296 with glutamic acid.
Molecular consequence: missense variant.
Genome position (GRCh38, 1-based): chr7:103,486,293, C>T on the plus strand (G>A on the coding strand, the complement: RELN is on the minus strand). VCF-style: chr7-103486293-C-T. GRCh37 (hg19) VCF-style: chr7-103126740-C-T.
Other names: c.9887G>A, p.Gly3296Glu (NM_173054.3); short protein forms G3296E.
Identifiers: ClinVar variation 2951353 (VCV002951353.3), dbSNP rs2485699125, ClinGen allele CA368741541.
Genomic context (GRCh38, chr7:103,486,293, plus strand): 5'-TGCCTGATCTGACAGCCATTAAAGTACAGTGAGTCTCCATGGGCGTAGGGGGCCAGCTGC[C>T]CACAGCCACTTCCTATGACTCCACCTTGAATGGTCTCCCAGTTTGCCTCGGTGACTCTTG-3'
Protein context (NP_005036.2, residues 3286-3306): IQGGVIGSGC[Gly3296Glu]QLAPYAHGDS

ClinVar aggregate classification (germline): Uncertain significance (1 of 4 stars; one submission).

Conditions:
Norman-Roberts syndrome (LIS2). Also called: Lissencephaly 2 (Norman-Roberts type). Identifiers: Orphanet 89844, MedGen C0796089, MONDO:0009760, OMIM 257320.
Familial temporal lobe epilepsy 7. Identifiers: Orphanet 101046, MedGen C4225327, MONDO:0014639, OMIM 616436.

Submission:

Labcorp Genetics (formerly Invitae), Labcorp
Classification: Uncertain significance for Familial temporal lobe epilepsy 7; Norman-Roberts syndrome. Last evaluated: 2023-08-28. Review status: criteria provided, single submitter. Criteria: Invitae Variant Classification Sherloc (09022015). Collection method: clinical testing. Allele origin: germline.
Comment: In summary, the available evidence is currently insufficient to determine the role of this variant in disease. Therefore, it has been classified as a Variant of Uncertain Significance. Advanced modeling of protein sequence and biophysical properties (such as structural, functional, and spatial information, amino acid conservation, physicochemical variation, residue mobility, and thermodynamic stability) performed at Invitae indicates that this missense variant is not expected to disrupt RELN protein function. This variant has not been reported in the literature in individuals affected with RELN-related conditions. This variant is not present in population databases (gnomAD no frequency). This sequence change replaces glycine, which is neutral and non-polar, with glutamic acid, which is acidic and polar, at codon 3296 of the RELN protein (p.Gly3296Glu).